The following is an entry in ClinVar:

ClinVar aggregate classification (germline): Likely pathogenic (1 of 4 stars; one submission).

Conditions:
Ehlers-Danlos syndrome, type 4 (EDSVASC). Also called: Ehlers-Danlos syndrome vascular type; Ehlers Danlos syndrome, ecchymotic type; Ehlers Danlos syndrome, arterial type; Ehlers Danlos syndrome, Sack-Barabas type; Ehlers-Danlos Syndrome Type IV. Identifiers: Orphanet 286, MedGen C0268338, MONDO:0017314, OMIM 130050.

gnomAD v4.1: 3 of 1,594,428 alleles (0.00019%); highest among the groups gnomAD compares: Non-Finnish European, 0.00026%; no homozygotes.

Submission:

Labcorp Genetics (formerly Invitae), Labcorp
Classification: Likely pathogenic for Ehlers-Danlos syndrome, type 4. Last evaluated: 2023-01-08. Review status: criteria provided, single submitter. Criteria: Invitae Variant Classification Sherloc (09022015). Collection method: clinical testing. Allele origin: germline.
Comment: In summary, the currently available evidence indicates that the variant is pathogenic, but additional data are needed to prove that conclusively. Therefore, this variant has been classified as Likely Pathogenic. This variant disrupts the triple helix domain of COL3A1. Glycine residues within the Gly-Xaa-Yaa repeats of the triple helix domain are required for the structure and stability of fibrillar collagens (PMID: 7695699, 8218237, 19344236). In COL3A1, variants that affect these glycine residues are significantly enriched in individuals with disease (PMID: 24922459, 25758994) compared to the general population (ExAC). Advanced modeling of protein sequence and biophysical properties (such as structural, functional, and spatial information, amino acid conservation, physicochemical variation, residue mobility, and thermodynamic stability) performed at Invitae indicates that this missense variant is expected to disrupt COL3A1 protein function. ClinVar contains an entry for this variant (Variation ID: 1501070). This variant has not been reported in the literature in individuals affected with COL3A1-related conditions. This variant is not present in population databases (gnomAD no frequency). This sequence change replaces glycine, which is neutral and non-polar, with cysteine, which is neutral and slightly polar, at codon 753 of the COL3A1 protein (p.Gly753Cys).

Literature cited by the submitters: PubMed 7695699; PubMed 8218237; PubMed 19344236; PubMed 24922459; PubMed 25758994.

NM_000090.4(COL3A1):c.2257G>T (p.Gly753Cys)

Gene: COL3A1 (collagen type III alpha 1 chain; plus strand). Cytogenetic location: 2q32.2.
Variant type: single nucleotide variant.
Coding change: c.2257G>T on transcript NM_000090.4 (MANE Select); coding-DNA position 2257, G replaced by T.
Protein change: p.Gly753Cys; replaces glycine 753 with cysteine.
Molecular consequence: missense variant.
Genome position (GRCh38, 1-based): chr2:188,999,869, G>T. VCF-style: chr2-188999869-G-T. GRCh37 (hg19) VCF-style: chr2-189864595-G-T.
Other names: short protein forms G753C.
Identifiers: ClinVar variation 1501070 (VCV001501070.8), dbSNP rs2153503066, ClinGen allele CA349841161.
Genomic context (GRCh38, chr2:188,999,869, plus strand): 5'-TTGAATCTGATGACATTGGCTTTTATTTGACAGGGTGAACCAGGCGGTCCAGGTGCTGAT[G>T]GTGTCCCAGGGAAAGATGGCCCAAGGGTGAGTATTCCCAGTGAGGAGAAGCAGGCCTTAT-3'
Protein context (NP_000081.2, residues 743-763): KGEPGGPGAD[Gly753Cys]VPGKDGPRGP